The following is an entry in ClinVar:

ClinVar aggregate classification (germline): Likely benign. Review status: criteria provided, multiple submitters, no conflicts (2 of 4 stars). 4 submissions from 4 submitters: Likely benign (4). Last evaluated 2026-07-01.

Conditions:
Microcephaly, normal intelligence and immunodeficiency (NBS). Also called: Ataxia telangiectasia variant V1; IMMUNODEFICIENCY, MICROCEPHALY, AND CHROMOSOMAL INSTABILITY; SEEMANOVA SYNDROME II; Immunodeficiency, microcephaly with normal intelligence; Nijmegen breakage syndrome; Microcephaly with normal intelligence immunodeficiency and lymphoreticular malignancies. Identifiers: Orphanet 647, MedGen C0398791, MONDO:0009623, OMIM 251260.
Hereditary cancer-predisposing syndrome. Also called: Hereditary neoplastic syndrome; Neoplastic Syndromes, Hereditary; Tumor predisposition; Hereditary Cancer Syndrome. Identifiers: Orphanet 140162, MedGen C0027672, MeSH D009386, MONDO:0015356.

Allele frequency attached by ClinVar (database versions not stated): gnomAD exomes below 0.00001.
gnomAD v4.1: 3 of 1,613,882 alleles (0.00019%); highest among the groups gnomAD compares: Admixed American, 0.0017%; no homozygotes.

Submissions (4):

CeGaT Center for Human Genetics Tuebingen
Classification: Likely benign. Last evaluated: 2026-07-01. Review status: criteria provided, single submitter. Criteria: CeGaT Center For Human Genetics Tuebingen Variant Classification Criteria Version 2. Collection method: clinical testing. Allele origin: germline. Affected: yes. Observed: 1 variant allele.
Comment: NBN: BP4, BP7

Women's Health and Genetics/Laboratory Corporation of America, LabCorp
Classification: Likely benign. Last evaluated: 2024-05-19. Review status: criteria provided, single submitter. Criteria: LabCorp Variant Classification Summary - May 2015. Collection method: clinical testing. Allele origin: germline.

Labcorp Genetics (formerly Invitae), Labcorp
Classification: Likely benign for Microcephaly, normal intelligence and immunodeficiency. Last evaluated: 2023-08-17. Review status: criteria provided, single submitter. Criteria: Invitae Variant Classification Sherloc (09022015). Collection method: clinical testing. Allele origin: germline.

Ambry Genetics
Classification: Likely benign for Hereditary cancer-predisposing syndrome. Last evaluated: 2021-11-25. Review status: criteria provided, single submitter. Criteria: Ambry Variant Classification Scheme 2023. Collection method: clinical testing. Allele origin: germline.

NM_002485.5(NBN):c.1533T>C (p.Asn511=)

Gene: NBN (nibrin; minus strand). Cytogenetic location: 8q21.3.
Variant type: single nucleotide variant.
Coding change: c.1533T>C on transcript NM_002485.5 (MANE Select); coding-DNA position 1533, T replaced by C.
Protein change: p.Asn511=; no amino-acid change (asparagine 511 retained).
Molecular consequence: synonymous variant.
Genome position (GRCh38, 1-based): chr8:89,953,556, A>G on the plus strand (T>C on the coding strand, the complement: NBN is on the minus strand). VCF-style: chr8-89953556-A-G. GRCh37 (hg19) VCF-style: chr8-90965784-A-G.
Other names: c.1287T>C, p.Asn429= (NM_001024688.3).
Identifiers: ClinVar variation 1774681 (VCV001774681.9), dbSNP rs587780776, ClinGen allele CA462114727.
Genomic context (GRCh38, chr8:89,953,556, plus strand): 5'-AATAGATTTTAAATCTGTATCTGTAAATAAGTTATTGTCTGAGTTTGTGTCCACAGGCTC[A>G]TTCTCAGATAGATGCTGCTCCTTATTTTTCCACAATGAGGGTGTAGCAGGTTGTGTTTGT-3'
Protein context (NP_002476.2, residues 501-521): WKNKEQHLSE[Asn511=]EPVDTNSDNN